The following is an entry in ClinVar:

ClinVar aggregate classification (germline): Uncertain significance (1 of 4 stars; one submission).

Submission:

Labcorp Genetics (formerly Invitae), Labcorp
Classification: Uncertain significance. Last evaluated: 2022-07-11. Review status: criteria provided, single submitter. Criteria: Invitae Variant Classification Sherloc (09022015). Collection method: clinical testing. Allele origin: germline.
Comment: This sequence change replaces arginine, which is basic and polar, with threonine, which is neutral and polar, at codon 500 of the HK1 protein (p.Arg500Thr). In summary, the available evidence is currently insufficient to determine the role of this variant in disease. Therefore, it has been classified as a Variant of Uncertain Significance. Algorithms developed to predict the effect of missense changes on protein structure and function (SIFT, PolyPhen-2, Align-GVGD) all suggest that this variant is likely to be tolerated. ClinVar contains an entry for this variant (Variation ID: 956058). This variant has not been reported in the literature in individuals affected with HK1-related conditions. This variant is not present in population databases (gnomAD no frequency).

NM_000188.3(HK1):c.1499G>C (p.Arg500Thr)

Gene: HK1 (hexokinase 1; plus strand). Cytogenetic location: 10q22.1.
Variant type: single nucleotide variant.
Coding change: c.1499G>C on transcript NM_000188.3 (MANE Select); coding-DNA position 1499, G replaced by C.
Protein change: p.Arg500Thr; replaces arginine 500 with threonine.
Molecular consequence: missense variant.
Genome position (GRCh38, 1-based): chr10:69,382,720, G>C. VCF-style: chr10-69382720-G-C. GRCh37 (hg19) VCF-style: chr10-71142476-G-C.
Other names: c.1511G>C, p.Arg504Thr (NM_001322364.2, NM_001358263.1, NM_033497.3 and 1 more transcripts); c.1604G>C, p.Arg535Thr (NM_001322365.2); c.1415G>C, p.Arg472Thr (NM_001322366.1); c.1403G>C, p.Arg468Thr (NM_001322367.1); c.1496G>C, p.Arg499Thr (NM_033496.3); c.1463G>C, p.Arg488Thr (NM_033500.2); short protein forms R468T, R472T, R488T, R535T, R499T, R500T, R504T.
Identifiers: ClinVar variation 956058 (VCV000956058.9), dbSNP rs752199128, ClinGen allele CA376910092.